The following is an entry in ClinVar:

NM_020778.5(ALPK3):c.157C>T (p.Arg53Trp)

Gene: ALPK3 (alpha kinase 3; plus strand). Cytogenetic location: 15q25.3.
Variant type: single nucleotide variant.
Coding change: c.157C>T on transcript NM_020778.5 (MANE Select); coding-DNA position 157, C replaced by T.
Protein change: p.Arg53Trp; replaces arginine 53 with tryptophan.
Molecular consequence: missense variant.
Genome position (GRCh38, 1-based): chr15:84,823,343, C>T. VCF-style: chr15-84823343-C-T. GRCh37 (hg19) VCF-style: chr15-85366574-C-T.
Other names: short protein forms R53W.
Identifiers: ClinVar variation 2563957 (VCV002563957.6), dbSNP rs759865340, ClinGen allele CA7708857.

ClinVar aggregate classification (germline): Uncertain significance. Review status: criteria provided, multiple submitters, no conflicts (2 of 4 stars). 3 submissions from 3 submitters: Uncertain significance (3). Last evaluated 2025-06-11.

Conditions:
Cardiovascular phenotype. Identifiers: MedGen CN230736.

Allele frequency attached by ClinVar (database versions not stated): gnomAD 0.00002; TOPMed 0.00003.
gnomAD v4.1: 27 of 1,614,000 alleles (0.0017%); highest among the groups gnomAD compares: African/African-American, 0.0053%; no homozygotes.

Submissions (3):

Labcorp Genetics (formerly Invitae), Labcorp
Classification: Uncertain significance. Last evaluated: 2025-06-11. Review status: criteria provided, single submitter. Criteria: Invitae Variant Classification Sherloc (09022015). Collection method: clinical testing. Allele origin: germline.
Comment: This sequence change replaces arginine, which is basic and polar, with tryptophan, which is neutral and slightly polar, at codon 255 of the ALPK3 protein (p.Arg255Trp). This variant is present in population databases (rs759865340, gnomAD 0.006%). This variant has not been reported in the literature in individuals affected with ALPK3-related conditions. ClinVar contains an entry for this variant (Variation ID: 2563957). An algorithm developed to predict the effect of missense changes on protein structure and function outputs the following: PolyPhen-2: "Benign". The tryptophan amino acid residue is found in multiple mammalian species, which suggests that this missense change does not adversely affect protein function. In summary, the available evidence is currently insufficient to determine the role of this variant in disease. Therefore, it has been classified as a Variant of Uncertain Significance.

GeneDx
Classification: Uncertain significance. Last evaluated: 2025-05-13. Review status: criteria provided, single submitter. Criteria: GeneDx Variant Classification Process June 2021. Collection method: clinical testing. Allele origin: germline. Affected: yes.
Comment: Not observed at significant frequency in large population cohorts (gnomAD); In silico analysis suggests that this missense variant does not alter protein structure/function; Has not been previously published as pathogenic or benign to our knowledge

Ambry Genetics
Classification: Uncertain significance for Cardiovascular phenotype. Last evaluated: 2023-05-13. Review status: criteria provided, single submitter. Criteria: Ambry Variant Classification Scheme 2023. Collection method: clinical testing. Allele origin: germline.
Comment: The p.R255W variant (also known as c.763C>T), located in coding exon 2 of the ALPK3 gene, results from a C to T substitution at nucleotide position 763. The arginine at codon 255 is replaced by tryptophan, an amino acid with dissimilar properties. This amino acid position is conserved. In addition, this alteration is predicted to be tolerated by in silico analysis. Since supporting evidence is limited at this time, the clinical significance of this alteration remains unclear.